The following is an entry in ClinVar:

ClinVar aggregate classification (germline): Uncertain significance (1 of 4 stars; one submission).

Submission:

GeneDx
Classification: Uncertain significance. Last evaluated: 2026-07-17. Review status: criteria provided, single submitter. Criteria: GeneDx Variant Classification Process June 2021. Collection method: clinical testing. Allele origin: germline.
Comment: Not observed at significant frequency in large population cohorts (gnomAD); In silico analysis indicates that this missense variant does not alter protein structure/function; Has not been previously published as pathogenic or benign to our knowledge

NM_001400225.1(MGA):c.863C>G (p.Ser288Cys)

Gene: MGA (MAX dimerization protein MGA; plus strand). Cytogenetic location: 15q15.1.
Variant type: single nucleotide variant.
Coding change: c.863C>G on transcript NM_001400225.1 (MANE Select); coding-DNA position 863, C replaced by G.
Protein change: p.Ser288Cys; replaces serine 288 with cysteine.
Molecular consequence: missense variant.
Genome position (GRCh38, 1-based): chr15:41,669,757, C>G. VCF-style: chr15-41669757-C-G. GRCh37 (hg19) VCF-style: chr15-41961955-C-G.
Other names: c.863C>G, p.Ser288Cys (NM_001400242.1, NM_001400243.1, NM_001400244.1 and 5 more transcripts); short protein forms S288C.
Identifiers: ClinVar variation 4527833 (VCV004527833.2).